The following is an entry in ClinVar:

ClinVar aggregate classification (germline): Conflicting classifications of pathogenicity. Review status: criteria provided, conflicting classifications (1 of 4 stars). 3 submissions from 2 submitters: Uncertain significance (2); Benign (1). Last evaluated 2023-07-01.

Conditions:
Adult-onset proximal spinal muscular atrophy, autosomal dominant. Also called: Spinal muscular atrophy, late-onset, finkel type; FINKEL LATE-ADULT TYPE SMA. Identifiers: Orphanet 209335, MedGen C1854058, MONDO:0008453, OMIM 182980.
Amyotrophic lateral sclerosis type 8 (ALS8). Identifiers: Orphanet 803, MedGen C1837728, MONDO:0012077, OMIM 608627.

Allele frequency attached by ClinVar (database versions not stated): ExAC 0.00046; 1000 Genomes Project 0.00060; 1000 Genomes Project 30x 0.00078; gnomAD exomes 0.00169 and 0.00182; gnomAD 0.00194 and 0.00210; TOPMed 0.00206.
gnomAD v4.1: 839 of 449,990 alleles (0.19%); highest among the groups gnomAD compares: Non-Finnish European, 0.29%; 2 homozygotes.

Submissions (3):

CeGaT Center for Human Genetics Tuebingen
Classification: Benign. Last evaluated: 2023-07-01. Review status: criteria provided, single submitter. Criteria: CeGaT Center For Human Genetics Tuebingen Variant Classification Criteria Version 2. Collection method: clinical testing. Allele origin: germline. Affected: yes. Observed: 2 variant alleles.
Comment: VAPB: BS1, BS2

Illumina Laboratory Services, Illumina
Classification: Uncertain significance for Amyotrophic lateral sclerosis type 8. Last evaluated: 2018-01-13. Review status: criteria provided, single submitter. Criteria: ICSL Variant Classification Criteria 13 December 2019. Collection method: clinical testing. Allele origin: germline.

Illumina Laboratory Services, Illumina
Classification: Uncertain significance for Adult-onset proximal spinal muscular atrophy, autosomal dominant. Last evaluated: 2018-01-13. Review status: criteria provided, single submitter. Criteria: ICSL Variant Classification Criteria 13 December 2019. Collection method: clinical testing. Allele origin: germline.

NM_004738.5(VAPB):c.*5095T>G

Gene: VAPB (VAMP associated protein B and C; plus strand). Cytogenetic location: 20q13.32.
Variant type: single nucleotide variant.
Coding change: c.*5095T>G on transcript NM_004738.5 (MANE Select); 5095 bases downstream of the stop codon, T replaced by G.
Molecular consequence: 3 prime UTR variant. On other transcripts: non-coding transcript variant (1).
Genome position (GRCh38, 1-based): chr20:58,449,330, T>G. VCF-style: chr20-58449330-T-G. GRCh37 (hg19) VCF-style: chr20-57024386-T-G.
Other names: c.*5165T>G (NM_001195677.2).
Identifiers: ClinVar variation 339001 (VCV000339001.31), dbSNP rs143424619, ClinGen allele CA9924616.
Genomic context (GRCh38, chr20:58,449,330, plus strand): 5'-ATGTTTTTGGCTGTATCTACGGCACTTAACAATAGGGGCTTTTTATTTTCATTACAGAGA[T>G]ATTTTGAAAAATTTAAAAGACATGAACTCACATAAACAGTTATGGATGATAGTTAAAAGA-3'